The following is an entry in ClinVar:

NM_000240.4(MAOA):c.374A>G (p.Asn125Ser)

Gene: MAOA (monoamine oxidase A; plus strand). Cytogenetic location: Xp11.3.
Variant type: single nucleotide variant.
Coding change: c.374A>G on transcript NM_000240.4 (MANE Select); coding-DNA position 374, A replaced by G.
Protein change: p.Asn125Ser; replaces asparagine 125 with serine.
Molecular consequence: missense variant. On other transcripts: 5 prime UTR variant (1).
Genome position (GRCh38, 1-based): chrX:43,711,939, A>G. VCF-style: chrX-43711939-A-G. GRCh37 (hg19) VCF-style: chrX-43571186-A-G.
Other names: c.-26A>G (NM_001270458.2); short protein forms N125S.
Identifiers: ClinVar variation 1333950 (VCV001333950.6), dbSNP rs201799429, ClinGen allele CA10390766.

ClinVar aggregate classification (germline): Uncertain significance. Review status: criteria provided, multiple submitters, no conflicts (2 of 4 stars). 2 submissions from 2 submitters: Uncertain significance (2). Last evaluated 2025-12-01.

Conditions:
Brunner syndrome (BRNRS). Identifiers: Orphanet 3057, MedGen C0796275, MONDO:0010379, OMIM 300615.

Allele frequency attached by ClinVar (database versions not stated): ExAC 0.00003; gnomAD exomes 0.00003 and 0.00006; gnomAD 0.00004; TOPMed 0.00005.

Submissions (2):

Labcorp Genetics (formerly Invitae), Labcorp
Classification: Uncertain significance for Brunner syndrome. Last evaluated: 2025-12-01. Review status: criteria provided, single submitter. Criteria: Invitae Variant Classification Sherloc (09022015). Collection method: clinical testing. Allele origin: germline.
Comment: This sequence change replaces asparagine, which is neutral and polar, with serine, which is neutral and polar, at codon 125 of the MAOA protein (p.Asn125Ser). This variant is present in population databases (rs201799429, gnomAD 0.02%). This variant has not been reported in the literature in individuals affected with MAOA-related conditions. ClinVar contains an entry for this variant (Variation ID: 1333950). Invitae Evidence Modeling of protein sequence and biophysical properties (such as structural, functional, and spatial information, amino acid conservation, physicochemical variation, residue mobility, and thermodynamic stability) indicates that this missense variant is not expected to disrupt MAOA protein function with a negative predictive value of 80%. In summary, the available evidence is currently insufficient to determine the role of this variant in disease. Therefore, it has been classified as a Variant of Uncertain Significance.

CENTOGENE GmbH and LLC - Guiding Precision Medicine
Classification: Uncertain significance for Brunner syndrome. Last evaluated: 2019-05-14. Review status: criteria provided, single submitter. Criteria: ACMG Guidelines, 2015. Collection method: clinical testing. Allele origin: germline. Affected: yes.